The following is an entry in ClinVar:

ClinVar aggregate classification (germline): Uncertain significance (1 of 4 stars; one submission).

Conditions:
Congenital contractural arachnodactyly (CCA). Also called: BEALS SYNDROME; Beals-Hecht syndrome; Arthrogryposis, distal, type 9. Identifiers: Orphanet 115, MedGen C0220668, MONDO:0007363, OMIM 121050.

Allele frequency attached by ClinVar (database versions not stated): gnomAD 0.00001; TOPMed 0.00001; ESP Exome Variant Server 0.00008.
gnomAD v4.1: 32 of 1,613,442 alleles (0.002%); highest among the groups gnomAD compares: Non-Finnish European, 0.0025%; no homozygotes.

Submission:

Labcorp Genetics (formerly Invitae), Labcorp
Classification: Uncertain significance for Congenital contractural arachnodactyly. Last evaluated: 2025-05-22. Review status: criteria provided, single submitter. Criteria: Invitae Variant Classification Sherloc (09022015). Collection method: clinical testing. Allele origin: germline.
Comment: This sequence change replaces glycine, which is neutral and non-polar, with arginine, which is basic and polar, at codon 2552 of the FBN2 protein (p.Gly2552Arg). This variant is not present in population databases (gnomAD no frequency). This missense change has been observed in individuals with clinical features of congenital contractural arachnodactyly (internal data). ClinVar contains an entry for this variant (Variation ID: 1358408). Invitae Evidence Modeling of protein sequence and biophysical properties (such as structural, functional, and spatial information, amino acid conservation, physicochemical variation, residue mobility, and thermodynamic stability) indicates that this missense variant is expected to disrupt FBN2 protein function with a positive predictive value of 80%. In summary, the available evidence is currently insufficient to determine the role of this variant in disease. Therefore, it has been classified as a Variant of Uncertain Significance.

NM_001999.4(FBN2):c.7654G>C (p.Gly2552Arg)

Gene: FBN2 (fibrillin 2; minus strand). Cytogenetic location: 5q23.3.
Variant type: single nucleotide variant.
Coding change: c.7654G>C on transcript NM_001999.4 (MANE Select); coding-DNA position 7654, G replaced by C.
Protein change: p.Gly2552Arg; replaces glycine 2552 with arginine.
Molecular consequence: missense variant.
Genome position (GRCh38, 1-based): chr5:128,274,624, C>G on the plus strand (G>C on the coding strand, the complement: FBN2 is on the minus strand). VCF-style: chr5-128274624-C-G. GRCh37 (hg19) VCF-style: chr5-127610316-C-G.
Other names: short protein forms G2552R.
Identifiers: ClinVar variation 1358408 (VCV001358408.8), dbSNP rs375790581, ClinGen allele CA127020452.
Genomic context (GRCh38, chr5:128,274,624, plus strand): 5'-TACCGATACAAGCAGTGTGATGCTGTGTGAAACCAGGTGGACATTTACAGGTAAACCCCC[C>G]CAGGGTGTTGACACAGAGGAACTGGCAGTTATGCTGCTTTGTTTGACATTCATCAAGGTC-3'
Protein context (NP_001990.2, residues 2542-2562): NCQFLCVNTL[Gly2552Arg]GFTCKCPPGF